The following is an entry in ClinVar:

ClinVar aggregate classification (germline): Uncertain significance. Review status: criteria provided, multiple submitters, no conflicts (2 of 4 stars). 2 submissions from 2 submitters: Uncertain significance (2). Last evaluated 2024-12-07.

Conditions:
Familial hemophagocytic lymphohistiocytosis 5. Also called: STXBP2-Related Familial Hemophagocytic Lymphohistiocytosis (STXBP2-fHLH). Identifiers: Orphanet 540, MedGen C2751293, MONDO:0013135, OMIM 613101.

Allele frequency attached by ClinVar (database versions not stated): gnomAD exomes 0.00001; ExAC 0.00002.
gnomAD v4.1: 34 of 1,614,146 alleles (0.0021%); highest among the groups gnomAD compares: Non-Finnish European, 0.0029%; no homozygotes.

Submissions (2):

Labcorp Genetics (formerly Invitae), Labcorp
Classification: Uncertain significance for Familial hemophagocytic lymphohistiocytosis 5. Last evaluated: 2024-12-07. Review status: criteria provided, single submitter. Criteria: Invitae Variant Classification Sherloc (09022015). Collection method: clinical testing. Allele origin: germline.
Comment: This sequence change replaces threonine, which is neutral and polar, with asparagine, which is neutral and polar, at codon 216 of the STXBP2 protein (p.Thr216Asn). This variant is present in population databases (rs776842309, gnomAD 0.003%). This variant has not been reported in the literature in individuals affected with STXBP2-related conditions. ClinVar contains an entry for this variant (Variation ID: 1498593). Invitae Evidence Modeling of protein sequence and biophysical properties (such as structural, functional, and spatial information, amino acid conservation, physicochemical variation, residue mobility, and thermodynamic stability) indicates that this missense variant is not expected to disrupt STXBP2 protein function with a negative predictive value of 95%. In summary, the available evidence is currently insufficient to determine the role of this variant in disease. Therefore, it has been classified as a Variant of Uncertain Significance.

Blueprint Genetics
Classification: Uncertain significance. Last evaluated: 2024-06-24. Review status: criteria provided, single submitter. Criteria: ACMG Guidelines, 2015. Collection method: clinical testing. Allele origin: germline.

NM_006949.4(STXBP2):c.647C>A (p.Thr216Asn)

Gene: STXBP2 (syntaxin binding protein 2; plus strand). Cytogenetic location: 19p13.2.
Variant type: single nucleotide variant.
Coding change: c.647C>A on transcript NM_006949.4 (MANE Select); coding-DNA position 647, C replaced by A.
Protein change: p.Thr216Asn; replaces threonine 216 with asparagine.
Molecular consequence: missense variant. On other transcripts: non-coding transcript variant (1).
Genome position (GRCh38, 1-based): chr19:7,642,102, C>A. VCF-style: chr19-7642102-C-A. GRCh37 (hg19) VCF-style: chr19-7706988-C-A.
Other names: c.638C>A, p.Thr213Asn (NM_001127396.3); c.680C>A, p.Thr227Asn (NM_001272034.2); short protein forms T213N, T216N, T227N.
Identifiers: ClinVar variation 1498593 (VCV001498593.5), dbSNP rs776842309, ClinGen allele CA9143740.